The following is an entry in ClinVar:

NM_007294.4(BRCA1):c.3148A>G (p.Ser1050Gly)

Gene: BRCA1 (BRCA1 DNA repair associated; minus strand). Cytogenetic location: 17q21.31.
Variant type: single nucleotide variant.
Coding change: c.3148A>G on transcript NM_007294.4 (MANE Select); coding-DNA position 3148, A replaced by G.
Protein change: p.Ser1050Gly; replaces serine 1050 with glycine.
Molecular consequence: missense variant. On other transcripts: intron variant (137).
Genome position (GRCh38, 1-based): chr17:43,092,383, T>C on the plus strand (A>G on the coding strand, the complement: BRCA1 is on the minus strand). VCF-style: chr17-43092383-T-C. GRCh37 (hg19) VCF-style: chr17-41244400-T-C.
Other names: c.3022A>G, p.Ser1008Gly (NM_001407691.1, NM_001407649.1, NM_001407670.1 and 11 more transcripts); c.3007A>G, p.Ser1003Gly (NM_001407692.1, NM_001407694.1, NM_001407695.1 and 29 more transcripts); c.3004A>G, p.Ser1002Gly (NM_001407740.1, NM_001407749.1, NM_001407741.1 and 20 more transcripts); c.2935A>G, p.Ser979Gly (NM_001407571.1, NM_001407853.1, NM_001407894.1 and 9 more transcripts); c.3148A>G, p.Ser1050Gly (NM_001407581.1, NM_001407582.1, NM_001407583.1 and 30 more transcripts); c.3145A>G, p.Ser1049Gly (NM_001407587.1, NM_001407590.1, NM_001407591.1 and 22 more transcripts); c.3139A>G, p.Ser1047Gly (NM_001407646.1, NM_001407647.1); c.3025A>G, p.Ser1009Gly (NM_001407648.1, NM_001407664.1, NM_001407665.1 and 19 more transcripts); and 41 more; short protein forms S1050G, S1003G, S1002G, S1023G, S1047G, S938G, S979G, S1049G.
Identifiers: ClinVar variation 862098 (VCV000862098.13), dbSNP rs2053635674, ClinGen allele CA10595687.
Genomic context (GRCh38, chr17:43,092,383, plus strand): 5'-CTTGAATGTTTTCATCACTGGAACCTATTTCATTAATACTGGAGCCCACTTCATTAGTAC[T>C]GGAACCTACTTCATTAATATTGCTTGAGCTGGCTTCTTTAAAAACATTTTCTCTAATGTT-3'
Protein context (NP_009225.1, residues 1040-1060): SSSNINEVGS[Ser1050Gly]TNEVGSSINE

ClinVar aggregate classification (germline): Conflicting classifications of pathogenicity. Review status: criteria provided, conflicting classifications (1 of 4 stars). 2 submissions from 2 submitters: Uncertain significance (1); Likely benign (1). Last evaluated 2023-03-23.

Conditions:
Hereditary breast ovarian cancer syndrome. Also called: Hereditary breast and ovarian cancer; Breast and ovarian cancer; Hereditary breast and/or ovarian cancer syndrome; Hereditary breast and ovarian cancer syndrome; Hereditary breast and ovarian cancer syndrome (HBOC); BRCA1- and BRCA2-Associated Hereditary Breast and Ovarian Cancer. Identifiers: Orphanet 145, MedGen C0677776, MeSH D061325, MONDO:0003582. Disease mechanism: loss of function.
Hereditary cancer-predisposing syndrome. Also called: Tumor predisposition; Hereditary neoplastic syndrome; Neoplastic Syndromes, Hereditary; Hereditary Cancer Syndrome. Identifiers: Orphanet 140162, MedGen C0027672, MeSH D009386, MONDO:0015356.

Submissions (2):

University of Washington Department of Laboratory Medicine, University of Washington
Classification: Likely benign for Hereditary cancer-predisposing syndrome. Last evaluated: 2023-03-23. Review status: criteria provided, single submitter. Criteria: Dines et al. (Genet Med. 2020). Collection method: curation. Allele origin: germline.
Comment: Missense variant in a coldspot region where missense variants are very unlikely to be pathogenic (PMID:31911673).

BRCA1 coldspot (exon 11 using historical exon numbering). Reclassification based on statistical prior probability

Labcorp Genetics (formerly Invitae), Labcorp
Classification: Uncertain significance for Hereditary breast ovarian cancer syndrome. Last evaluated: 2019-01-20. Review status: criteria provided, single submitter. Criteria: Invitae Variant Classification Sherloc (09022015). Collection method: clinical testing. Allele origin: germline.
Comment: In summary, the available evidence is currently insufficient to determine the role of this variant in disease. Therefore, it has been classified as a Variant of Uncertain Significance. Algorithms developed to predict the effect of missense changes on protein structure and function output the following: SIFT: "Tolerated"; PolyPhen-2: "Benign"; Align-GVGD: "Class C0". The glycine amino acid residue is found in multiple mammalian species, suggesting that this missense change does not adversely affect protein function. These predictions have not been confirmed by published functional studies and their clinical significance is uncertain. This variant has not been reported in the literature in individuals with BRCA1-related conditions. This variant is not present in population databases (ExAC no frequency). This sequence change replaces serine with glycine at codon 1050 of the BRCA1 protein (p.Ser1050Gly). The serine residue is moderately conserved and there is a small physicochemical difference between serine and glycine.